The following is an entry in ClinVar:

ClinVar aggregate classification (germline): Uncertain significance (1 of 4 stars; one submission).

gnomAD v4.1: 12 of 1,614,096 alleles (0.00074%); highest among the groups gnomAD compares: South Asian, 0.011%; no homozygotes.

Submission:

Labcorp Genetics (formerly Invitae), Labcorp
Classification: Uncertain significance. Last evaluated: 2025-02-09. Review status: criteria provided, single submitter. Criteria: Invitae Variant Classification Sherloc (09022015). Collection method: clinical testing. Allele origin: germline.
Comment: This sequence change replaces proline, which is neutral and non-polar, with leucine, which is neutral and non-polar, at codon 806 of the AUTS2 protein (p.Pro806Leu). This variant is present in population databases (rs759015569, gnomAD 0.02%). This variant has not been reported in the literature in individuals affected with AUTS2-related conditions. Invitae Evidence Modeling of protein sequence and biophysical properties (such as structural, functional, and spatial information, amino acid conservation, physicochemical variation, residue mobility, and thermodynamic stability) has been performed for this missense variant. However, the output from this modeling did not meet the statistical confidence thresholds required to predict the impact of this variant on AUTS2 protein function. In summary, the available evidence is currently insufficient to determine the role of this variant in disease. Therefore, it has been classified as a Variant of Uncertain Significance.

NM_015570.4(AUTS2):c.2417C>T (p.Pro806Leu)

Gene: AUTS2 (activator of transcription and developmental regulator AUTS2; plus strand). Cytogenetic location: 7q11.22.
Variant type: single nucleotide variant.
Coding change: c.2417C>T on transcript NM_015570.4 (MANE Select); coding-DNA position 2417, C replaced by T.
Protein change: p.Pro806Leu; replaces proline 806 with leucine.
Molecular consequence: missense variant.
Genome position (GRCh38, 1-based): chr7:70,787,317, C>T. VCF-style: chr7-70787317-C-T. GRCh37 (hg19) VCF-style: chr7-70252303-C-T.
Other names: c.2345C>T, p.Pro782Leu (NM_001127231.3); short protein forms P782L, P806L.
Identifiers: ClinVar variation 3618826 (VCV003618826.2).